The following is an entry in ClinVar:

ClinVar aggregate classification (germline): Likely benign (0 of 4 stars; one submission).

Conditions:
ATG2B-related disorder. Also called: ATG2B-related condition.

Submission:

PreventionGenetics, part of Exact Sciences
Classification: Likely benign for ATG2B-related condition. Last evaluated: 2019-06-06. Review status: no assertion criteria provided. Collection method: clinical testing. Allele origin: germline.
Comment: This variant is classified as likely benign based on ACMG/AMP sequence variant interpretation guidelines (Richards et al. 2015 PMID: 25741868, with internal and published modifications).

NM_018036.7(ATG2B):c.2322A>T (p.Ser774=)

Gene: ATG2B (autophagy related 2B; minus strand). Cytogenetic location: 14q32.2.
Variant type: single nucleotide variant.
Coding change: c.2322A>T on transcript NM_018036.7 (MANE Select); coding-DNA position 2322, A replaced by T.
Protein change: p.Ser774=; no amino-acid change (serine 774 retained).
Molecular consequence: synonymous variant.
Genome position (GRCh38, 1-based): chr14:96,325,764, T>A on the plus strand (A>T on the coding strand, the complement: ATG2B is on the minus strand). VCF-style: chr14-96325764-T-A. GRCh37 (hg19) VCF-style: chr14-96792101-T-A.
Identifiers: ClinVar variation 3043846 (VCV003043846.2), dbSNP rs1566726078, ClinGen allele CA487712042.